The following is an entry in ClinVar:

NM_022902.5(SLC30A5):c.692T>C (p.Val231Ala)

Gene: SLC30A5 (solute carrier family 30 member 5; plus strand). Cytogenetic location: 5q13.2.
Variant type: single nucleotide variant.
Coding change: c.692T>C on transcript NM_022902.5 (MANE Select); coding-DNA position 692, T replaced by C.
Protein change: p.Val231Ala; replaces valine 231 with alanine.
Molecular consequence: missense variant.
Genome position (GRCh38, 1-based): chr5:69,115,316, T>C. VCF-style: chr5-69115316-T-C. GRCh37 (hg19) VCF-style: chr5-68411143-T-C.
Other names: short protein forms V231A.
Identifiers: ClinVar variation 2217725 (VCV002217725.3), dbSNP rs148405903, ClinGen allele CA3290777.

ClinVar aggregate classification (germline): Uncertain significance (1 of 4 stars; one submission).

Allele frequency attached by ClinVar (database versions not stated): ESP Exome Variant Server 0.00008; ExAC 0.00001; gnomAD exomes 0.00001; TOPMed 0.00001; gnomAD 0.00003.
gnomAD v4.1: 16 of 1,613,936 alleles (0.00099%); highest among the groups gnomAD compares: South Asian, 0.0077%; no homozygotes.

Submission:

Ambry Genetics
Classification: Uncertain significance. Last evaluated: 2026-02-03. Review status: criteria provided, single submitter. Criteria: Ambry Variant Classification Scheme 2023. Collection method: clinical testing. Allele origin: germline.
Comment: The c.692T>C (p.V231A) alteration is located in exon 8 (coding exon 8) of the SLC30A5 gene. This alteration results from a T to C substitution at nucleotide position 692, causing the valine (V) at amino acid position 231 to be replaced by an alanine (A). Based on data from gnomAD, the C allele has an overall frequency of 0.001% (3/282846) total alleles studied. The highest observed frequency was 0.008% (2/24958) of African alleles. Based on insufficient or conflicting evidence, the clinical significance of this alteration remains unclear.